The following is an entry in ClinVar:

ClinVar aggregate classification (germline): Likely benign. Review status: criteria provided, multiple submitters, no conflicts (2 of 4 stars). 3 submissions from 3 submitters: Likely benign (3). Last evaluated 2024-09-01.

Conditions:
Hereditary cancer-predisposing syndrome. Also called: Tumor predisposition; Hereditary neoplastic syndrome; Hereditary Cancer Syndrome; Neoplastic Syndromes, Hereditary. Identifiers: Orphanet 140162, MedGen C0027672, MeSH D009386, MONDO:0015356.
Cardiovascular phenotype. Identifiers: MedGen CN230736.
Neurofibromatosis, type 1 (NF1). Also called: Peripheral type neurofibromatosis; NEUROFIBROMATOSIS, TYPE I, SOMATIC; Neurofibromatosis, type I; VON RECKLINGHAUSEN DISEASE. Identifiers: Orphanet 636, MedGen C0027831, MONDO:0018975, OMIM 162200. Disease mechanism: loss of function.

Submissions (3):

CeGaT Center for Human Genetics Tuebingen
Classification: Likely benign. Last evaluated: 2024-09-01. Review status: criteria provided, single submitter. Criteria: CeGaT Center For Human Genetics Tuebingen Variant Classification Criteria Version 2. Collection method: clinical testing. Allele origin: germline. Affected: yes. Observed: 1 variant allele.
Comment: NF1: PM2:Supporting, BP4, BP7

Labcorp Genetics (formerly Invitae), Labcorp
Classification: Likely benign for Neurofibromatosis, type 1. Last evaluated: 2024-02-17. Review status: criteria provided, single submitter. Criteria: Invitae Variant Classification Sherloc (09022015). Collection method: clinical testing. Allele origin: germline.

Ambry Genetics
Classification: Likely benign for Cardiovascular phenotype; Hereditary cancer-predisposing syndrome. Last evaluated: 2023-05-21. Review status: criteria provided, single submitter. Criteria: Ambry Variant Classification Scheme 2023. Collection method: clinical testing. Allele origin: germline.

NM_001042492.3(NF1):c.2169G>A (p.Val723=)

Gene: NF1 (neurofibromin 1; plus strand). Cytogenetic location: 17q11.2.
Variant type: single nucleotide variant.
Coding change: c.2169G>A on transcript NM_001042492.3 (MANE Select); coding-DNA position 2169, G replaced by A.
Protein change: p.Val723=; no amino-acid change (valine 723 retained).
Molecular consequence: synonymous variant.
Genome position (GRCh38, 1-based): chr17:31,226,602, G>A. VCF-style: chr17-31226602-G-A. GRCh37 (hg19) VCF-style: chr17-29553620-G-A.
Other names: c.2169G>A, p.Val723= (NM_000267.4).
Identifiers: ClinVar variation 1123093 (VCV001123093.22), dbSNP rs2151425959, ClinGen allele CA499443871.